The following is an entry in ClinVar:

NM_014319.5(LEMD3):c.406CTG[1] (p.Leu137del)

Genes: LEMD3 (LEM domain containing 3; plus strand), LOC130008224 (ATAC-STARR-seq lymphoblastoid silent region 4630; plus strand). Cytogenetic location: 12q14.3.
Variant type: Microsatellite.
Coding change: c.406CTG[1] on transcript NM_014319.5 (MANE Select); one copy of the 3-base unit CTG starting at c.406; the reference has two copies in a row; one copy, 3 bases deleted.
Protein change: p.Leu137del; deletes leucine 137.
Molecular consequence: inframe deletion.
Genome position (GRCh38, 1-based): chr12:65,170,005-65,170,007, CTG deleted; deleting any 3 consecutive bases within chr12:65,170,000-65,170,007 gives the same sequence; the position shown is the placement nearest the transcript's 3' end. VCF-style (leftmost placement, unchanged base first): chr12-65169999-GTGC-G. GRCh37 (hg19) VCF-style: chr12-65563779-GTGC-G.
Other names: c.406CTG[1], p.Leu137del (NM_001167614.2); short protein forms L137del.
Identifiers: ClinVar variation 3622711 (VCV003622711.2).

ClinVar aggregate classification (germline): Uncertain significance (1 of 4 stars; one submission).

Submission:

Labcorp Genetics (formerly Invitae), Labcorp
Classification: Uncertain significance. Last evaluated: 2025-02-17. Review status: criteria provided, single submitter. Criteria: Invitae Variant Classification Sherloc (09022015). Collection method: clinical testing. Allele origin: germline.
Comment: This variant, c.409_411del, results in the deletion of 1 amino acid(s) of the LEMD3 protein (p.Leu137del), but otherwise preserves the integrity of the reading frame. This variant is not present in population databases (gnomAD no frequency). This variant has not been reported in the literature in individuals affected with LEMD3-related conditions. Experimental studies and prediction algorithms are not available or were not evaluated, and the functional significance of this variant is currently unknown. In summary, the available evidence is currently insufficient to determine the role of this variant in disease. Therefore, it has been classified as a Variant of Uncertain Significance.